The following is an entry in ClinVar:

NM_000093.5(COL5A1):c.1989+5G>T

Gene: COL5A1 (collagen type V alpha 1 chain; plus strand). Cytogenetic location: 9q34.3.
Variant type: single nucleotide variant.
Coding change: c.1989+5G>T on transcript NM_000093.5 (MANE Select); 5 bases into the intron after coding-DNA position 1989, G replaced by T.
Molecular consequence: intron variant.
Genome position (GRCh38, 1-based): chr9:134,761,983, G>T. VCF-style: chr9-134761983-G-T. GRCh37 (hg19) VCF-style: chr9-137653829-G-T.
Other names: c.1989+5G>T (NM_001278074.1).
Identifiers: ClinVar variation 3672601 (VCV003672601.2).
Genomic context (GRCh38, chr9:134,761,983, plus strand): 5'-AGGGTGACCCTGGTCCTTCCGGCCCACCAGGACCTCCGGGAGACGATGGAGAAAGGGTAG[G>T]TATTCTGCCGTCCCTCCGACTGCTCCTGCCTGCCCTACTCCTCAGTGATTTGGGCAGGAA-3'

ClinVar aggregate classification (germline): Uncertain significance (1 of 4 stars; one submission).

Conditions:
Ehlers-Danlos syndrome, classic type, 1 (EDSCL1). Also called: EHLERS-DANLOS SYNDROME, GRAVIS TYPE; EHLERS-DANLOS SYNDROME, SEVERE CLASSIC TYPE; Ehlers-Danlos syndrome, type 1; Ehlers-Danlos Syndrome, Classic Type, COL5A1-Related; EDS I. Identifiers: MedGen C0268335, MONDO:0019567, OMIM 130000.

Submission:

Labcorp Genetics (formerly Invitae), Labcorp
Classification: Uncertain significance for Ehlers-Danlos syndrome, classic type, 1. Last evaluated: 2024-11-26. Review status: criteria provided, single submitter. Criteria: Invitae Variant Classification Sherloc (09022015). Collection method: clinical testing. Allele origin: germline.
Comment: This sequence change falls in intron 19 of the COL5A1 gene. It does not directly change the encoded amino acid sequence of the COL5A1 protein. It affects a nucleotide within the consensus splice site. This variant is not present in population databases (gnomAD no frequency). This variant has not been reported in the literature in individuals affected with COL5A1-related conditions. Variants that disrupt the consensus splice site are a relatively common cause of aberrant splicing (PMID: 17576681, 9536098). Algorithms developed to predict the effect of sequence changes on RNA splicing suggest that this variant may disrupt the consensus splice site. In summary, the available evidence is currently insufficient to determine the role of this variant in disease. Therefore, it has been classified as a Variant of Uncertain Significance.

Literature cited by the submitters: PubMed 17576681; PubMed 9536098.